The following is an entry in ClinVar:

NM_001378778.1(MPDZ):c.960del (p.Val321fs)

Gene: MPDZ (multiple PDZ domain crumbs cell polarity complex component; minus strand). Cytogenetic location: 9p23.
Variant type: Deletion.
Coding change: c.960del on transcript NM_001378778.1 (MANE Select); coding-DNA position 960, one base deleted (A; older notation c.960delA).
Protein change: p.Val321fs; shifts the reading frame from valine 321.
Molecular consequence: frameshift variant.
Genome position (GRCh38, 1-based): chr9:13,219,685, T deleted on the plus strand (A on the coding strand, the reverse complement: MPDZ is on the minus strand); the first of 2 consecutive T bases (chr9:13,219,685-13,219,686); deleting either gives the same sequence. VCF-style (leftmost placement, unchanged base first): chr9-13219684-CT-C. GRCh37 (hg19) VCF-style: chr9-13219683-CT-C.
Other names: c.960del, p.Val321fs (NM_001261406.2, NM_001261407.2, NM_001330637.2 and 14 more transcripts); short protein forms V321fs.
Identifiers: ClinVar variation 1447384 (VCV001447384.6), dbSNP rs1958831021, ClinGen allele CA1121462840.

ClinVar aggregate classification (germline): Pathogenic (1 of 4 stars; one submission).

Submission:

Labcorp Genetics (formerly Invitae), Labcorp
Classification: Pathogenic. Last evaluated: 2026-02-02. Review status: criteria provided, single submitter. Criteria: Invitae Variant Classification Sherloc (09022015). Collection method: clinical testing. Allele origin: germline.
Comment: This sequence change creates a premature translational stop signal (p.Val321Serfs*11) in the MPDZ gene. It is expected to result in an absent or disrupted protein product. Loss-of-function variants in MPDZ are known to be pathogenic (PMID: 23240096, 28556411). This variant is not present in population databases (gnomAD no frequency). This variant has not been reported in the literature in individuals affected with MPDZ-related conditions. ClinVar contains an entry for this variant (Variation ID: 1447384). For these reasons, this variant has been classified as Pathogenic.

Literature cited by the submitters: PubMed 23240096; PubMed 28556411.